The following is an entry in ClinVar:

ClinVar aggregate classification (germline): Pathogenic (1 of 4 stars; one submission).

Allele frequency attached by ClinVar (database versions not stated): TOPMed below 0.00001.

Submission:

Labcorp Genetics (formerly Invitae), Labcorp
Classification: Pathogenic. Last evaluated: 2024-03-13. Review status: criteria provided, single submitter. Criteria: Invitae Variant Classification Sherloc (09022015). Collection method: clinical testing. Allele origin: germline.
Comment: This sequence change affects the initiator methionine of the RARS2 mRNA. The next in-frame methionine is located at codon 176. This variant is present in population databases (rs199862050, gnomAD 0.003%). Disruption of the initiator codon has been observed in individual(s) with pontocerebellar hypoplasia (PMID: 26083569, 26795593, 32860008). In at least one individual the data is consistent with being in trans (on the opposite chromosome) from a pathogenic variant. It has also been observed to segregate with disease in related individuals. ClinVar contains an entry for this variant (Variation ID: 1455488). This variant disrupts a region of the RARS2 protein in which other variant(s) (p.Lys158del) have been determined to be pathogenic (PMID: 22086604, 27061686). This suggests that this is a clinically significant region of the protein, and that variants that disrupt it are likely to be disease-causing. For these reasons, this variant has been classified as Pathogenic.

Literature cited by the submitters: PubMed 26083569; PubMed 26795593; PubMed 32860008; PubMed 22086604; PubMed 27061686.

NM_020320.5(RARS2):c.2T>A (p.Met1Lys)

Gene: RARS2 (arginyl-tRNA synthetase 2, mitochondrial; minus strand). Cytogenetic location: 6q15.
Variant type: single nucleotide variant.
Coding change: c.2T>A on transcript NM_020320.5 (MANE Select); coding-DNA position 2, T replaced by A.
Protein change: p.Met1Lys; changes the start codon (methionine 1).
Molecular consequence: missense variant, initiator codon variant. On other transcripts: 5 prime UTR variant (7), non-coding transcript variant (23).
Genome position (GRCh38, 1-based): chr6:87,589,956, A>T on the plus strand (T>A on the coding strand, the complement: RARS2 is on the minus strand). VCF-style: chr6-87589956-A-T. GRCh37 (hg19) VCF-style: chr6-88299674-A-T.
Other names: c.-689T>A (NM_001318785.2); c.2T>A, p.Met1Lys (NM_001350505.2); c.-745T>A (NM_001350506.2, NM_001350510.2); c.-868T>A (NM_001350507.2); c.-907T>A (NM_001350508.2); c.-615T>A (NM_001350509.2); c.-864T>A (NM_001350511.2); short protein forms M1K.
Identifiers: ClinVar variation 1455488 (VCV001455488.6), dbSNP rs199862050, ClinGen allele CA3916860.